The following is an entry in ClinVar:

NM_001375524.1(TRRAP):c.9362A>G (p.Lys3121Arg)

Gene: TRRAP (transformation/transcription domain associated protein; plus strand). Cytogenetic location: 7q22.1.
Variant type: single nucleotide variant.
Coding change: c.9362A>G on transcript NM_001375524.1 (MANE Select); coding-DNA position 9362, A replaced by G.
Protein change: p.Lys3121Arg; replaces lysine 3121 with arginine.
Molecular consequence: missense variant.
Genome position (GRCh38, 1-based): chr7:98,985,017, A>G. VCF-style: chr7-98985017-A-G. GRCh37 (hg19) VCF-style: chr7-98582640-A-G.
Other names: c.9287A>G, p.Lys3096Arg (NM_003496.4); c.9374A>G, p.Lys3125Arg (NM_001244580.2); short protein forms K3096R, K3121R, K3125R.
Identifiers: ClinVar variation 5037226 (VCV005037226.1).

ClinVar aggregate classification (germline): Uncertain significance (1 of 4 stars; one submission).

Submission:

GeneDx
Classification: Uncertain significance. Last evaluated: 2026-04-15. Review status: criteria provided, single submitter. Criteria: GeneDx Variant Classification Process June 2021. Collection method: clinical testing. Allele origin: germline.
Comment: Not observed at significant frequency in large population cohorts (gnomAD); In silico analysis suggests that this missense variant does not alter protein structure/function; Has not been previously published as pathogenic or benign to our knowledge